The following is an entry in ClinVar:

ClinVar aggregate classification (germline): Uncertain significance (1 of 4 stars; one submission).

Allele frequency attached by ClinVar (database versions not stated): gnomAD 0.00001; gnomAD exomes 0.00001; ExAC 0.00002.

Submission:

Labcorp Genetics (formerly Invitae), Labcorp
Classification: Uncertain significance. Last evaluated: 2024-03-15. Review status: criteria provided, single submitter. Criteria: Invitae Variant Classification Sherloc (09022015). Collection method: clinical testing. Allele origin: germline.
Comment: This sequence change replaces asparagine, which is neutral and polar, with tyrosine, which is neutral and polar, at codon 136 of the TGFB1 protein (p.Asn136Tyr). This variant is present in population databases (rs764002407, gnomAD 0.002%). This variant has not been reported in the literature in individuals affected with TGFB1-related conditions. Advanced modeling of protein sequence and biophysical properties (such as structural, functional, and spatial information, amino acid conservation, physicochemical variation, residue mobility, and thermodynamic stability) has been performed at Invitae for this missense variant, however the output from this modeling did not meet the statistical confidence thresholds required to predict the impact of this variant on TGFB1 protein function. In summary, the available evidence is currently insufficient to determine the role of this variant in disease. Therefore, it has been classified as a Variant of Uncertain Significance.

NM_000660.7(TGFB1):c.406A>T (p.Asn136Tyr)

Gene: TGFB1 (transforming growth factor beta 1; minus strand). Cytogenetic location: 19q13.2.
Variant type: single nucleotide variant.
Coding change: c.406A>T on transcript NM_000660.7 (MANE Select); coding-DNA position 406, A replaced by T.
Protein change: p.Asn136Tyr; replaces asparagine 136 with tyrosine.
Molecular consequence: missense variant.
Genome position (GRCh38, 1-based): chr19:41,348,405, T>A on the plus strand (A>T on the coding strand, the complement: TGFB1 is on the minus strand). VCF-style: chr19-41348405-T-A. GRCh37 (hg19) VCF-style: chr19-41854310-T-A.
Other names: short protein forms N136Y.
Identifiers: ClinVar variation 2744153 (VCV002744153.3), dbSNP rs764002407, ClinGen allele CA9460101.